The following is an entry in ClinVar:

ClinVar aggregate classification (germline): Uncertain significance (1 of 4 stars; one submission).

Allele frequency attached by ClinVar (database versions not stated): TOPMed below 0.00001; gnomAD exomes 0.00001.

Submission:

Ambry Genetics
Classification: Uncertain significance. Last evaluated: 2024-07-05. Review status: criteria provided, single submitter. Criteria: Ambry Variant Classification Scheme 2023. Collection method: clinical testing. Allele origin: germline.
Comment: The p.Y68H variant (also known as c.202T>C), located in coding exon 3 of the NQO1 gene, results from a T to C substitution at nucleotide position 202. The tyrosine at codon 68 is replaced by histidine, an amino acid with similar properties. This amino acid position is conserved. In addition, the in silico prediction for this alteration is inconclusive. Since supporting evidence is limited at this time, the clinical significance of this alteration remains unclear.

NM_000903.3(NQO1):c.202T>C (p.Tyr68His)

Gene: NQO1 (NAD(P)H quinone dehydrogenase 1; minus strand). Cytogenetic location: 16q22.1.
Variant type: single nucleotide variant.
Coding change: c.202T>C on transcript NM_000903.3 (MANE Select); coding-DNA position 202, T replaced by C.
Protein change: p.Tyr68His; replaces tyrosine 68 with histidine.
Molecular consequence: missense variant.
Genome position (GRCh38, 1-based): chr16:69,718,224, A>G on the plus strand (T>C on the coding strand, the complement: NQO1 is on the minus strand). VCF-style: chr16-69718224-A-G. GRCh37 (hg19) VCF-style: chr16-69752127-A-G.
Other names: c.202T>C, p.Tyr68His (NM_001025433.2, NM_001025434.2, NM_001286137.2); short protein forms Y68H.
Identifiers: ClinVar variation 1784746 (VCV001784746.3), dbSNP rs1272758099, ClinGen allele CA396490160.